The following continues an entry in ClinVar:

NM_000059.4(BRCA2):c.1755_1759del (p.Lys585fs)

Gene: BRCA2. ClinVar aggregate classification (germline): Pathogenic. Pathogenic (1).

Submissions 8 to 19 of 25:

Color Diagnostics, LLC DBA Color Health
Classification: Pathogenic for Hereditary cancer-predisposing syndrome. Last evaluated: 2024-10-21. Review status: criteria provided, single submitter. Criteria: ACMG Guidelines, 2015. Collection method: clinical testing. Allele origin: germline. Not counted in ClinVar's aggregate classification.
Comment: This variant deletes 5 nucleotides in exon 10 of the BRCA2 gene, creating a frameshift and premature translation stop signal. This variant is expected to result in an absent or non-functional protein product. This variant has been reported in individuals affected with breast, ovarian, or pancreatic cancer (PMID: 16284991, 17301269, 19620486, 20616022, 251866, 26681312, 29446198) and has been identified in 14 families among the CIMBA participants (PMID: 29446198). This variant has been identified in 1/250222 chromosomes in the general population by the Genome Aggregation Database (gnomAD). Loss of BRCA2 function is a known mechanism of disease. Based on the available evidence, this variant is classified as Pathogenic.

All of Us Research Program, National Institutes of Health
Classification: Pathogenic for BRCA2-related cancer predisposition. Last evaluated: 2024-09-03. Review status: criteria provided, single submitter. Criteria: ACMG Guidelines, 2015. Collection method: clinical testing. Allele origin: germline. Inheritance: Autosomal dominant inheritance. Observed: 3 variant alleles, 3 heterozygotes. Not counted in ClinVar's aggregate classification.
Comment: The c.1755_1759del variant in the BRCA2 gene is located on exon 10 and is predicted to cause shift of reading frame which introduces a premature translation termination codon (p.Lys585Asnfs*3), resulting in an absent or disrupted protein product. The variant has been reported in multiple unrelated individuals with hereditary breast and ovarian cancer (PMID: 25186627, 31853058, 26681312). Other protein termination codon variants located in the same exon (p.Gln548*, p.Thr630Asnfs*14) have been interpreted as pathogenic (ClinVar ID: 91754, 51221). Loss-of-function variants in the BRCA2 gene are known to cause hereditary breast and ovarian cancer (PMID: 8988179, 11897832, 29446198). This variant has been reported in ClinVar as pathogenic by the expert panel (ID: 37754). The variant is rare (2/1613118 chromosomes) in general population according to gnomAD (v4.1). Therefore, the c.1755_1759del (p.Lys585Asnfs*3) variant in the BRCA2 gene has been classified as pathogenic.

This study involves interpretation of variants in research participants for the purpose of population health screening. Participant phenotype was not available at the time of variant classification. Additional details can be found in publication PMID: 35346344, PMCID: PMC8962531

Fulgent Genetics
Classification: Pathogenic for Familial cancer of breast; Medulloblastoma; Familial prostate cancer; Wilms tumor 1; Fanconi anemia complementation group D1; Breast-ovarian cancer, familial, susceptibility to, 2; Glioma susceptibility 3; Pancreatic cancer, susceptibility to, 2. Last evaluated: 2024-06-23. Review status: criteria provided, single submitter. Criteria: ACMG Guidelines, 2015. Collection method: clinical testing. Allele origin: germline. Not counted in ClinVar's aggregate classification.

Baylor Genetics
Classification: Pathogenic for Familial cancer of breast. Last evaluated: 2024-02-14. Review status: criteria provided, single submitter. Criteria: ACMG Guidelines, 2015. Collection method: clinical testing. Allele origin: unknown. Not counted in ClinVar's aggregate classification.

Department of Pathology and Laboratory Medicine, Sinai Health System
Classification: Pathogenic for BRCA2-related cancer predisposition. Last evaluated: 2024-01-17. Review status: criteria provided, single submitter. Criteria: ACMG Guidelines, 2015. Collection method: clinical testing. Allele origin: germline. Affected: no. Not counted in ClinVar's aggregate classification.

GeneDx
Classification: Pathogenic. Last evaluated: 2023-01-25. Review status: criteria provided, single submitter. Criteria: GeneDx Variant Classification Process June 2021. Collection method: clinical testing. Allele origin: germline. Affected: yes. Not counted in ClinVar's aggregate classification.
Comment: Frameshift variant predicted to result in protein truncation or nonsense mediated decay in a gene for which loss-of-function is a known mechanism of disease; Observed in individuals with personal or family history of BRCA2-associated cancers (Lubinski et al., 2004; Pal et al., 2005; Couch et al., 2007; Watson et al., 2009; Senter et al., 2014); Not observed in large population cohorts (gnomAD); Truncating variants in this gene are considered pathogenic by a well-established clinical consortium and/or database; Also known as 1983del5 or 1983_1987delGAAAA; This variant is associated with the following publications: (PMID: 17301269, 19941162, 27165126, 26681312, 30720243, 28888541, 15131399, 22009639, 19620486, 16284991, 20616022, 23725378, 30309722, 31447099, 31892343, 33504652, 30787465)

St. Jude Molecular Pathology, St. Jude Children's Research Hospital
Classification: Pathogenic for Breast-ovarian cancer, familial, susceptibility to, 2. Last evaluated: 2022-10-12. Review status: criteria provided, single submitter. Criteria: St. Jude Assertion Criteria 2020. Collection method: clinical testing. Allele origin: germline. Not counted in ClinVar's aggregate classification.
Comment: The BRCA2 c.1755_1759del (p.Lys585AsnfsTer3) change causes a frameshift and the creation of a premature stop codon. This change is predicted to cause protein truncation or absence of the protein due to nonsense mediated decay. This variant has been reported in individuals with breast cancer (PMID: 22009639) and ovarian cancer (PMID: 28888541, 30309722), as well as in individuals with other cancer types including fallopian tube and pancreatic (PMID: 22009639, 30787465). It has a maximum subpopulation frequency of 0.00088% in gnomAD v2.1.1. This variant is also known as 1983del5 in the literature. In summary, this variant meets criteria to be classified as pathogenic.

Mayo Clinic Laboratories, Mayo Clinic
Classification: Pathogenic. Last evaluated: 2022-08-30. Review status: criteria provided, single submitter. Criteria: ACMG Guidelines, 2015. Collection method: clinical testing. Allele origin: germline. Observed: 1 variant allele. Not counted in ClinVar's aggregate classification.
Comment: PP5, PM2, PVS1

Revvity Omics, Revvity
Classification: Pathogenic. Last evaluated: 2022-04-25. Review status: criteria provided, single submitter. Criteria: ACMG Guidelines, 2015. Collection method: clinical testing. Allele origin: germline. Not counted in ClinVar's aggregate classification.

Women's Health and Genetics/Laboratory Corporation of America, LabCorp
Classification: Pathogenic for Hereditary breast ovarian cancer syndrome. Last evaluated: 2022-04-06. Review status: criteria provided, single submitter. Criteria: LabCorp Variant Classification Summary - May 2015. Collection method: clinical testing. Allele origin: germline. Not counted in ClinVar's aggregate classification.
Comment: Variant summary: BRCA2 c.1755_1759delGAAAA (p.Lys585AsnfsX3) results in a premature termination codon, predicted to cause a truncation of the encoded protein or absence of the protein due to nonsense mediated decay, which are commonly known mechanisms for disease. Truncations downstream of this position have been classified as pathogenic by our laboratory. The variant allele was found at a frequency of 4e-06 in 250222 control chromosomes. c.1755_1759delGAAAA has been reported in the literature in multiple individuals affected with breast and/or ovarian cancer, fallopian tube cancer and pancreatic cancer (Susswein_2016, Senter_2014, Pal_2005, Lubinski_2004). These data indicate that the variant is very likely to be associated with disease. Multiple clinical diagnostic laboratories, an expert panel (ENIGMA) and a consortium (CIMBA) have submitted clinical-significance assessments for this variant to ClinVar after 2014 without evidence for independent evaluation. All submitters classified the variant as pathogenic. Based on the evidence outlined above, the variant was classified as pathogenic.

ARUP Laboratories, Molecular Genetics and Genomics, ARUP Laboratories
Classification: Pathogenic. Last evaluated: 2021-12-20. Review status: criteria provided, single submitter. Criteria: ARUP Molecular Germline Variant Investigation Process 2021. Collection method: clinical testing. Allele origin: germline. Not counted in ClinVar's aggregate classification.
Comment: The BRCA2 c.1755_1759delGAAAA, p.Lys585AsnfsTer3 variant (rs80359302) has been reported in a family with breast and/or ovarian cancer (Lubinski 2004). This variant is reported in ClinVar (Variation ID: 37754), and is only observed on one allele in the Genome Aggregation Database, indicating it is not a common polymorphism. This variant causes a frameshift by deleting 5 nucleotides, so it is predicted to result in a truncated protein or mRNA subject to nonsense-mediated decay. Based on the above information, the variant is classified as pathogenic. References: Lubinski J et al. Cancer variation associated with the position of the mutation in the BRCA2 gene. Fam Cancer. 2004;3(1):1-10.

Division of Medical Genetics, University of Washington
Classification: Pathogenic for Breast-ovarian cancer, familial, susceptibility to, 2. Last evaluated: 2020-04-09. Review status: criteria provided, single submitter. Criteria: ACMG Guidelines, 2015. Collection method: clinical testing. Allele origin: germline. Affected: no. Study: CSER_CHARM. Not counted in ClinVar's aggregate classification.
Comment: This variant deletes five nucleotides causing a frameshift at position 585 which leads to a premature stop codon. This variant is predicted to result in a loss of protein function, which is a well-established mechanism of disease for the BRCA2 gene (Borg 2010). In the literature, this variant has been reported in individuals with breast, ovarian, and pancreatic cancers (Pal 2005, Susswein 2016, Tung 2015, Watson 2009). This variant has been observed one time in the gnomAD database. Based on this information, we consider this variant to be pathogenic. PM2; PVS1